The following is an entry in ClinVar:

NM_002601.4(PDE6D):c.66del (p.Arg23fs)

Gene: PDE6D (phosphodiesterase 6D; minus strand). Cytogenetic location: 2q37.1.
Variant type: Deletion.
Coding change: c.66del on transcript NM_002601.4 (MANE Select); coding-DNA position 66, one base deleted (T; older notation c.66delT).
Protein change: p.Arg23fs; shifts the reading frame from arginine 23.
Molecular consequence: frameshift variant.
Genome position (GRCh38, 1-based): chr2:231,739,173, A deleted on the plus strand (T on the coding strand, the reverse complement: PDE6D is on the minus strand); the first of 2 consecutive A bases (chr2:231,739,173-231,739,174); deleting either gives the same sequence. VCF-style (leftmost placement, unchanged base first): chr2-231739172-GA-G. GRCh37 (hg19) VCF-style: chr2-232603882-GA-G.
Other names: c.66del, p.Arg23fs (NM_001291018.2); short protein forms R23fs.
Identifiers: ClinVar variation 1414071 (VCV001414071.6), dbSNP rs2106261987, ClinGen allele CA2573135524.
Genomic context (GRCh38, chr2:231,739,172, plus strand): 5'-CACCAGGGACAGACAGGTCTTCTGTTCCTTGCCAGAGTATCTTCCCTGTCTCAGCATCCC[GA>G]AGGTTCATCCAATTTCTGATCAAATATGACTAAGGAAAAATAAGGCACTGAAAGTGACTC-3'

ClinVar aggregate classification (germline): Pathogenic (1 of 4 stars; one submission).

Conditions:
Joubert syndrome 22 (JBTS22). Identifiers: Orphanet 2754, MedGen C3810278, MONDO:0014297, OMIM 615665.

Submission:

Labcorp Genetics (formerly Invitae), Labcorp
Classification: Pathogenic for Joubert syndrome 22. Last evaluated: 2022-10-17. Review status: criteria provided, single submitter. Criteria: Invitae Variant Classification Sherloc (09022015). Collection method: clinical testing. Allele origin: germline.
Comment: For these reasons, this variant has been classified as Pathogenic. Algorithms developed to predict the effect of sequence changes on RNA splicing suggest that this variant may create or strengthen a splice site. ClinVar contains an entry for this variant (Variation ID: 1414071). This variant has not been reported in the literature in individuals affected with PDE6D-related conditions. This variant is not present in population databases (gnomAD no frequency). This sequence change creates a premature translational stop signal (p.Arg23Glyfs*65) in the PDE6D gene. It is expected to result in an absent or disrupted protein product. Loss-of-function variants in PDE6D are known to be pathogenic (PMID: 17496142, 24166846).

Literature cited by the submitters: PubMed 17496142; PubMed 24166846.